The following is an entry in ClinVar:

ClinVar aggregate classification (germline): Likely pathogenic (0 of 4 stars; one submission).

Conditions:
Tip-toe gait. Also called: Toe walking. Identifiers: MedGen C0427144, HP:0030051.

Allele frequency attached by ClinVar (database versions not stated): ExAC 0.00001; gnomAD 0.00001; gnomAD exomes 0.00001; ESP Exome Variant Server 0.00008.
gnomAD v4.1: 7 of 1,613,490 alleles (0.00043%); highest among the groups gnomAD compares: Middle Eastern, 0.017%; no homozygotes.

Submission:

Practice for Gait Abnormalities, David Pomarino, Competency Network Toe Walking C/o Practice Pomarino
Classification: Likely pathogenic for Tip-toe gait. Review status: no assertion criteria provided. Collection method: clinical testing. Allele origin: germline. Affected: yes.
Comment: Hereditary motor sensory neuropathy (HMSN), also known as Charcot-Marie-Tooth Disease (CMT), is the most commonly inherited peripheral polyneuropathy. It constitutes a group of inherited, progressive, motor and sensory peripheral nerve disorders with properties of demyelination, axonal degeneration, or both. It is classified by clinical characteristics, modes of inheritance, electrophysiologic features, metabolic defects, and specific gene markers. Our patients all walk on tiptoe, so they show similar symptoms. When we genetically test them with our toe walking panel, we find that around 90 per cent of them have a genetic variant that explains their toe walking. These can be assigned, for example, to the area of myopathies (such as variants of the COL6A3 gene), the area of hereditary neuropathies (such as variants of the KMT2C gene) or the area of metabolic diseases (such as variants of the PYGM gene). In a smaller group of patients with almost identical symptoms, no abnormality is found in the genes of our panel, but spastic paraplegia can be detected. In another small group of our toe walkers, no abnormalities can be detected in the genes analysed in our toe walking panel, nor do they suffer from spastic paraplegia, as is also the case with healthy children. In contrast to these, however, they show a tiptoe gait. These patients suffer from infantile cerebral palsy, in which toe walking can also be observed.

Literature cited by the submitters: PubMed 35169784; PubMed 37091313.

NM_004977.3(KCNC3):c.2077A>C (p.Ile693Leu)

Gene: KCNC3 (potassium voltage-gated channel subfamily C member 3; minus strand). Cytogenetic location: 19q13.33.
Variant type: single nucleotide variant.
Coding change: c.2077A>C on transcript NM_004977.3 (MANE Select); coding-DNA position 2077, A replaced by C.
Protein change: p.Ile693Leu; replaces isoleucine 693 with leucine.
Molecular consequence: missense variant. On other transcripts: non-coding transcript variant (1).
Genome position (GRCh38, 1-based): chr19:50,320,686, T>G on the plus strand (A>C on the coding strand, the complement: KCNC3 is on the minus strand). VCF-style: chr19-50320686-T-G. GRCh37 (hg19) VCF-style: chr19-50823943-T-G.
Other names: c.1849A>C, p.Ile617Leu (NM_001372305.1); short protein forms I617L, I693L.
Identifiers: ClinVar variation 1679940 (VCV001679940.3), dbSNP rs371116909, ClinGen allele CA9594116.